The following is an entry in ClinVar:

NM_018297.4(NGLY1):c.431G>A (p.Gly144Glu)

Gene: NGLY1 (N-glycanase 1; minus strand). Cytogenetic location: 3p24.2.
Variant type: single nucleotide variant.
Coding change: c.431G>A on transcript NM_018297.4 (MANE Select); coding-DNA position 431, G replaced by A.
Protein change: p.Gly144Glu; replaces glycine 144 with glutamic acid.
Molecular consequence: missense variant.
Genome position (GRCh38, 1-based): chr3:25,764,127, C>T on the plus strand (G>A on the coding strand, the complement: NGLY1 is on the minus strand). VCF-style: chr3-25764127-C-T. GRCh37 (hg19) VCF-style: chr3-25805618-C-T.
Other names: c.431G>A, p.Gly144Glu (NM_001145293.2, NM_001145295.2); c.305G>A, p.Gly102Glu (NM_001145294.2); short protein forms G144E, G102E.
Identifiers: ClinVar variation 474224 (VCV000474224.8), dbSNP rs1553660431, ClinGen allele CA351908741.
Genomic context (GRCh38, chr3:25,764,127, plus strand): 5'-GTTGAAGCAGATGGTGGATCTGATGACTGCCCTTGACGGTTCCTTGTGTGCTGGTTTAAC[C>T]CACTGGGATTTGAAGATGGTGTTGTAGGAAGCTGGGTACTGGCTGCAGGTTGCTGAGATG-3'
Protein context (NP_060767.2, residues 134-154): LPTTPSSNPS[Gly144Glu]LNQHTRNRQG

ClinVar aggregate classification (germline): Uncertain significance (1 of 4 stars; one submission).

Conditions:
Congenital disorder of deglycosylation (CDDG). Identifiers: MedGen C3808991, MONDO:0031376.

Submission:

Labcorp Genetics (formerly Invitae), Labcorp
Classification: Uncertain significance for Congenital disorder of deglycosylation. Last evaluated: 2022-12-06. Review status: criteria provided, single submitter. Criteria: Invitae Variant Classification Sherloc (09022015). Collection method: clinical testing. Allele origin: germline.
Comment: In summary, the available evidence is currently insufficient to determine the role of this variant in disease. Therefore, it has been classified as a Variant of Uncertain Significance. Advanced modeling of protein sequence and biophysical properties (such as structural, functional, and spatial information, amino acid conservation, physicochemical variation, residue mobility, and thermodynamic stability) performed at Invitae indicates that this missense variant is not expected to disrupt NGLY1 protein function. ClinVar contains an entry for this variant (Variation ID: 474224). This variant has not been reported in the literature in individuals affected with NGLY1-related conditions. This variant is not present in population databases (gnomAD no frequency). This sequence change replaces glycine, which is neutral and non-polar, with glutamic acid, which is acidic and polar, at codon 144 of the NGLY1 protein (p.Gly144Glu).